The following is an entry in ClinVar:

ClinVar aggregate classification (germline): Likely benign (1 of 4 stars; one submission).

Conditions:
NPC1-related disorder. Also called: NPC1-related condition.

Submission:

PreventionGenetics, part of Exact Sciences
Classification: Likely benign for NPC1-related condition. Last evaluated: 2025-02-07. Review status: criteria provided, single submitter. Criteria: ACMG Guidelines, 2015. Collection method: clinical testing. Allele origin: germline.
Comment: This variant is classified as likely benign based on ACMG/AMP sequence variant interpretation guidelines (Richards et al. 2015 PMID: 25741868, with internal and published modifications).

NM_000271.5(NPC1):c.*8G>A

Gene: NPC1 (NPC intracellular cholesterol transporter 1; minus strand). Cytogenetic location: 18q11.2.
Variant type: single nucleotide variant.
Coding change: c.*8G>A on transcript NM_000271.5 (MANE Select); 8 bases downstream of the stop codon, G replaced by A.
Molecular consequence: 3 prime UTR variant.
Genome position (GRCh38, 1-based): chr18:23,532,194, C>T on the plus strand (G>A on the coding strand, the complement: NPC1 is on the minus strand). VCF-style: chr18-23532194-C-T. GRCh37 (hg19) VCF-style: chr18-21112158-C-T.
Identifiers: ClinVar variation 4989338 (VCV004989338.1).
Genomic context (GRCh38, chr18:23,532,194, plus strand): 5'-CAGCACCCGTCCAGTGGTAAACCGACCGACCCTTAGACACAGTTCAGTCAGGATGCCCTG[C>T]GAGAGGGCTAGAAATTTAGAAGCCGTTCGCGCTCTGTTCCTTTGTATCGCTCTTCAGTGG-3'